The following is an entry in ClinVar:

ClinVar aggregate classification (germline): Uncertain significance. Review status: criteria provided, multiple submitters, no conflicts (2 of 4 stars). 2 submissions from 2 submitters: Uncertain significance (2). Last evaluated 2023-09-23.

Conditions:
Familial adenomatous polyposis 1 (FAP1). Also called: FAMILIAL ADENOMATOUS POLYPOSIS 1, ATTENUATED; POLYPOSIS, ADENOMATOUS INTESTINAL. Identifiers: MedGen C2713442, MONDO:0021056, OMIM 175100. Disease mechanism: loss of function.
Hereditary cancer-predisposing syndrome. Also called: Neoplastic Syndromes, Hereditary; Hereditary Cancer Syndrome; Hereditary neoplastic syndrome; Tumor predisposition. Identifiers: Orphanet 140162, MedGen C0027672, MeSH D009386, MONDO:0015356.

Submissions (2):

Ambry Genetics
Classification: Uncertain significance for Hereditary cancer-predisposing syndrome. Last evaluated: 2023-09-23. Review status: criteria provided, single submitter. Criteria: Ambry Variant Classification Scheme 2023. Collection method: clinical testing. Allele origin: germline.
Comment: The p.D2684G variant (also known as c.8051A>G), located in coding exon 15 of the APC gene, results from an A to G substitution at nucleotide position 8051. The aspartic acid at codon 2684 is replaced by glycine, an amino acid with similar properties. This amino acid position is conserved. In addition, in silico predictors for this gene do not accurately predict pathogenicity. Since supporting evidence is limited at this time, the clinical significance of this alteration remains unclear.

Labcorp Genetics (formerly Invitae), Labcorp
Classification: Uncertain significance for Familial adenomatous polyposis 1. Last evaluated: 2021-08-02. Review status: criteria provided, single submitter. Criteria: Invitae Variant Classification Sherloc (09022015). Collection method: clinical testing. Allele origin: germline.
Comment: This variant has not been reported in the literature in individuals affected with APC-related conditions. This sequence change replaces aspartic acid with glycine at codon 2684 of the APC protein (p.Asp2684Gly). The aspartic acid residue is highly conserved and there is a moderate physicochemical difference between aspartic acid and glycine. This variant is not present in population databases (ExAC no frequency). Algorithms developed to predict the effect of missense changes on protein structure and function (SIFT, PolyPhen-2, Align-GVGD) all suggest that this variant is likely to be tolerated. In summary, the available evidence is currently insufficient to determine the role of this variant in disease. Therefore, it has been classified as a Variant of Uncertain Significance.

NM_000038.6(APC):c.8051A>G (p.Asp2684Gly)

Gene: APC (APC regulator of Wnt signaling pathway; plus strand). Cytogenetic location: 5q22.2.
Variant type: single nucleotide variant.
Coding change: c.8051A>G on transcript NM_000038.6 (MANE Select); coding-DNA position 8051, A replaced by G.
Protein change: p.Asp2684Gly; replaces aspartic acid 2684 with glycine.
Molecular consequence: missense variant.
Genome position (GRCh38, 1-based): chr5:112,843,645, A>G. VCF-style: chr5-112843645-A-G. GRCh37 (hg19) VCF-style: chr5-112179342-A-G.
Other names: c.8051A>G, p.Asp2684Gly (NM_001127510.3, NM_001354895.2); c.7997A>G, p.Asp2666Gly (NM_001127511.3); c.8105A>G, p.Asp2702Gly (NM_001354896.2); c.8081A>G, p.Asp2694Gly (NM_001354897.2); c.7976A>G, p.Asp2659Gly (NM_001354898.2); c.7967A>G, p.Asp2656Gly (NM_001354899.2); c.7928A>G, p.Asp2643Gly (NM_001354900.2); c.7874A>G, p.Asp2625Gly (NM_001354901.2); and 6 more; short protein forms D2524G, D2558G, D2656G, D2694G, D2401G, D2684G, D2625G, D2702G.
Identifiers: ClinVar variation 1435249 (VCV001435249.7), dbSNP rs2149998495, ClinGen allele CA16038811.